The following is an entry in ClinVar:

NM_020822.3(KCNT1):c.1619+5G>A

Gene: KCNT1 (potassium sodium-activated channel subfamily T member 1; plus strand). Cytogenetic location: 9q34.3.
Variant type: single nucleotide variant.
Coding change: c.1619+5G>A on transcript NM_020822.3 (MANE Select); 5 bases into the intron after coding-DNA position 1619, G replaced by A.
Molecular consequence: intron variant.
Genome position (GRCh38, 1-based): chr9:135,770,060, G>A. VCF-style: chr9-135770060-G-A. GRCh37 (hg19) VCF-style: chr9-138661906-G-A.
Other names: c.1484+5G>A (NM_001272003.2).
Identifiers: ClinVar variation 2922664 (VCV002922664.4), dbSNP rs1248373142, ClinGen allele CA591146012.
Genomic context (GRCh38, chr9:135,770,060, plus strand): 5'-ATCTGCCCGGCGACCTCCACCCTCATCACCCTGCTGGTGCACACGTCCCGCGGCCAGTGA[G>A]TGCCCCGTGCCCCGGGGGACCGACCTCCATGGCGGGGCCGGCGCAGGGAGACAACGCAGG-3'

ClinVar aggregate classification (germline): Uncertain significance. Review status: criteria provided, multiple submitters, no conflicts (2 of 4 stars). 2 submissions from 2 submitters: Uncertain significance (2). Last evaluated 2026-01-06.

Conditions:
Autosomal dominant nocturnal frontal lobe epilepsy 5. Also called: KCNT1-Related Epilepsy; CILIARY DYSKINESIA, PRIMARY, 28, WITH SITUS INVERSUS; CILIARY DYSKINESIA, PRIMARY, 28, WITHOUT SITUS INVERSUS; Epilepsy, nocturnal frontal lobe, 5. Identifiers: Orphanet 98784, MedGen C3554306, MONDO:0014002, OMIM 615005.
Developmental and epileptic encephalopathy, 14 (DEE14). Also called: Early infantile epileptic encephalopathy 14. Identifiers: Orphanet 293181, MedGen C3554195, MONDO:0013989, OMIM 614959.

Allele frequency attached by ClinVar (database versions not stated): TOPMed below 0.00001; gnomAD exomes 0.00001.
gnomAD v4.1: 19 of 1,546,582 alleles (0.0012%); highest among the groups gnomAD compares: Non-Finnish European, 0.0017%; no homozygotes.

Submissions (2):

Women's Health and Genetics/Laboratory Corporation of America, LabCorp
Classification: Uncertain significance. Last evaluated: 2026-01-06. Review status: criteria provided, single submitter. Criteria: LabCorp Variant Classification Summary - May 2015. Collection method: clinical testing. Allele origin: germline.
Comment: Variant summary: KCNT1 c.1619+5G>A alters a conserved nucleotide located close to a canonical splice site and therefore could affect mRNA splicing, leading to a significantly altered protein sequence. Several computational tools predict a significant impact on normal splicing: Three predict the variant abolishes a 5' splicing donor site. One predict the variant weakens a 5' donor site. However, these predictions have yet to be confirmed by functional studies. The variant allele was found at a frequency of 6.6e-06 in 150444 control chromosomes. The available data on variant occurrences in the general population are insufficient to allow any conclusion about variant significance. To our knowledge, no occurrence of c.1619+5G>A in individuals affected with KCNT1-related conditions and no experimental evidence demonstrating its impact on protein function have been reported. ClinVar contains an entry for this variant (Variation ID: 2922664). Based on the evidence outlined above, the variant was classified as uncertain significance.

Labcorp Genetics (formerly Invitae), Labcorp
Classification: Uncertain significance for Autosomal dominant nocturnal frontal lobe epilepsy 5; Developmental and epileptic encephalopathy, 14. Last evaluated: 2023-10-13. Review status: criteria provided, single submitter. Criteria: Invitae Variant Classification Sherloc (09022015). Collection method: clinical testing. Allele origin: germline.
Comment: This sequence change falls in intron 16 of the KCNT1 gene. It does not directly change the encoded amino acid sequence of the KCNT1 protein. It affects a nucleotide within the consensus splice site. The frequency data for this variant in the population databases is considered unreliable, as metrics indicate poor data quality at this position in the gnomAD database. This variant has not been reported in the literature in individuals affected with KCNT1-related conditions. Variants that disrupt the consensus splice site are a relatively common cause of aberrant splicing (PMID: 17576681, 9536098). Algorithms developed to predict the effect of sequence changes on RNA splicing suggest that this variant may disrupt the consensus splice site. In summary, the available evidence is currently insufficient to determine the role of this variant in disease. Therefore, it has been classified as a Variant of Uncertain Significance.

Literature cited by the submitters: PubMed 17576681 (cited by Labcorp Genetics (formerly Invitae), Labcorp); PubMed 9536098 (cited by Labcorp Genetics (formerly Invitae), Labcorp).